The following is an entry in ClinVar:

NM_001369369.1(FOXN1):c.1474C>A (p.Pro492Thr)

Gene: FOXN1 (forkhead box N1; plus strand). Cytogenetic location: 17q11.2.
Variant type: single nucleotide variant.
Coding change: c.1474C>A on transcript NM_001369369.1 (MANE Select); coding-DNA position 1474, C replaced by A.
Protein change: p.Pro492Thr; replaces proline 492 with threonine.
Molecular consequence: missense variant.
Genome position (GRCh38, 1-based): chr17:28,535,045, C>A. VCF-style: chr17-28535045-C-A. GRCh37 (hg19) VCF-style: chr17-26862063-C-A.
Other names: c.1474C>A, p.Pro492Thr (NM_003593.3); short protein forms P492T.
Identifiers: ClinVar variation 1413887 (VCV001413887.8), dbSNP rs2151499362, ClinGen allele CA398326522.
Genomic context (GRCh38, chr17:28,535,045, plus strand): 5'-TTCCCACAGCCGGACGGGCACCTTGAGCTGCGGGCCCAGCCAGGCACCCCCCAGGACTCG[C>A]CTCTGCCTGCCCACACCCCACCCAGCCACAGTGCCAAGCTACTGGCCGAGCCTTCCCCAG-3'
Protein context (NP_001356298.1, residues 482-502): RAQPGTPQDS[Pro492Thr]LPAHTPPSHS

ClinVar aggregate classification (germline): Uncertain significance (1 of 4 stars; one submission).

Conditions:
T-cell immunodeficiency, congenital alopecia, and nail dystrophy. Also called: Congenital alopecia and nail dystrophy associated with severe functional T-cell immunodeficiency; Pignata Guarino syndrome. Identifiers: Orphanet 169095, MedGen C1866426, MONDO:0011132, OMIM 601705.

Submission:

Labcorp Genetics (formerly Invitae), Labcorp
Classification: Uncertain significance for T-cell immunodeficiency, congenital alopecia, and nail dystrophy. Last evaluated: 2020-12-03. Review status: criteria provided, single submitter. Criteria: Invitae Variant Classification Sherloc (09022015). Collection method: clinical testing. Allele origin: germline.
Comment: In summary, the available evidence is currently insufficient to determine the role of this variant in disease. Therefore, it has been classified as a Variant of Uncertain Significance. Algorithms developed to predict the effect of missense changes on protein structure and function are either unavailable or do not agree on the potential impact of this missense change (SIFT: "Deleterious"; PolyPhen-2: "Probably Damaging"; Align-GVGD: "Class C0"). This variant has not been reported in the literature in individuals with FOXN1-related conditions. This variant is not present in population databases (ExAC no frequency). This sequence change replaces proline with threonine at codon 492 of the FOXN1 protein (p.Pro492Thr). The proline residue is moderately conserved and there is a small physicochemical difference between proline and threonine.